The following is an entry in ClinVar:

NM_001130987.2(DYSF):c.1965C>T (p.Tyr655=)

Gene: DYSF (dysferlin; plus strand). Cytogenetic location: 2p13.2.
Variant type: single nucleotide variant.
Coding change: c.1965C>T on transcript NM_001130987.2 (MANE Select); coding-DNA position 1965, C replaced by T.
Protein change: p.Tyr655=; no amino-acid change (tyrosine 655 retained).
Molecular consequence: synonymous variant.
Genome position (GRCh38, 1-based): chr2:71,553,169, C>T. VCF-style: chr2-71553169-C-T. GRCh37 (hg19) VCF-style: chr2-71780299-C-T.
Other names: p.Tyr637=; c.1914C>T, p.Tyr638= (NM_001130455.2, NM_001130983.2); c.1869C>T, p.Tyr623= (NM_001130976.2, NM_001130977.2); c.1911C>T, p.Tyr637= (NM_001130978.2, NM_003494.4); c.2004C>T, p.Tyr668= (NM_001130979.2); c.1962C>T, p.Tyr654= (NM_001130980.2, NM_001130981.2); c.2007C>T, p.Tyr669= (NM_001130982.2); c.1872C>T, p.Tyr624= (NM_001130984.2, NM_001130986.2); and 1 more.
Identifiers: ClinVar variation 1097639 (VCV001097639.10), dbSNP rs759841019, ClinGen allele CA1705988.

ClinVar aggregate classification (germline): Likely benign. Review status: criteria provided, multiple submitters, no conflicts (2 of 4 stars). 2 submissions from 2 submitters: Likely benign (2). Last evaluated 2025-12-19.

Conditions:
Neuromuscular disease caused by qualitative or quantitative defects of dysferlin. Also called: Dysferlinopathy; Qualitative or quantitative defects of dysferlin. Identifiers: Orphanet 207073, MedGen C2931687, MONDO:0016145.

Allele frequency attached by ClinVar (database versions not stated): gnomAD exomes 0.00001; ExAC 0.00002; gnomAD 0.00003 and 0.00004; TOPMed 0.00003.
gnomAD v4.1: 62 of 1,614,014 alleles (0.0038%); highest among the groups gnomAD compares: Non-Finnish European, 0.0049%; no homozygotes.

Submissions (2):

Labcorp Genetics (formerly Invitae), Labcorp
Classification: Likely benign for Neuromuscular disease caused by qualitative or quantitative defects of dysferlin. Last evaluated: 2025-12-19. Review status: criteria provided, single submitter. Criteria: Invitae Variant Classification Sherloc (09022015). Collection method: clinical testing. Allele origin: germline.

Mayo Clinic Laboratories, Mayo Clinic
Classification: Likely benign. Last evaluated: 2025-09-17. Review status: criteria provided, single submitter. Criteria: ACMG Guidelines, 2015. Collection method: clinical testing. Allele origin: germline. Observed: 1 variant allele.
Comment: BP4, BP7